The following is an entry in ClinVar:

NM_018297.4(NGLY1):c.1122C>G (p.Ser374=)

Gene: NGLY1 (N-glycanase 1; minus strand). Cytogenetic location: 3p24.2.
Variant type: single nucleotide variant.
Coding change: c.1122C>G on transcript NM_018297.4 (MANE Select); coding-DNA position 1122, C replaced by G.
Protein change: p.Ser374=; no amino-acid change (serine 374 retained).
Molecular consequence: synonymous variant. On other transcripts: intron variant (1).
Genome position (GRCh38, 1-based): chr3:25,736,031, G>C on the plus strand (C>G on the coding strand, the complement: NGLY1 is on the minus strand). VCF-style: chr3-25736031-G-C. GRCh37 (hg19) VCF-style: chr3-25777522-G-C.
Other names: c.996C>G, p.Ser332= (NM_001145294.2); c.1122C>G, p.Ser374= (NM_001145295.2); c.1095+278C>G (NM_001145293.2).
Identifiers: ClinVar variation 952921 (VCV000952921.7), dbSNP rs1705798915, ClinGen allele CA432843055.

ClinVar aggregate classification (germline): Uncertain significance (1 of 4 stars; one submission).

Conditions:
Congenital disorder of deglycosylation (CDDG). Identifiers: MedGen C3808991, MONDO:0031376.

Submission:

Labcorp Genetics (formerly Invitae), Labcorp
Classification: Uncertain significance for Congenital disorder of deglycosylation. Last evaluated: 2019-07-09. Review status: criteria provided, single submitter. Criteria: Invitae Variant Classification Sherloc (09022015). Collection method: clinical testing. Allele origin: germline.
Comment: This sequence change affects codon 374 of the NGLY1 mRNA. It is a 'silent' change, meaning that it does not change the encoded amino acid sequence of the NGLY1 protein. This variant is not present in population databases (ExAC no frequency). This variant has not been reported in the literature in individuals with NGLY1-related conditions. Algorithms developed to predict the effect of sequence changes on RNA splicing suggest that this variant may create or strengthen a splice site, but this prediction has not been confirmed by published transcriptional studies. In summary, the available evidence is currently insufficient to determine the role of this variant in disease. Therefore, it has been classified as a Variant of Uncertain Significance.